The following is an entry in ClinVar:

NM_201384.3(PLEC):c.11417C>G (p.Thr3806Ser)

Gene: PLEC (plectin; minus strand). Cytogenetic location: 8q24.3.
Variant type: single nucleotide variant.
Coding change: c.11417C>G on transcript NM_201384.3 (MANE Select); coding-DNA position 11417, C replaced by G.
Protein change: p.Thr3806Ser; replaces threonine 3806 with serine.
Molecular consequence: missense variant.
Genome position (GRCh38, 1-based): chr8:143,918,404, G>C on the plus strand (C>G on the coding strand, the complement: PLEC is on the minus strand). VCF-style: chr8-143918404-G-C. GRCh37 (hg19) VCF-style: chr8-144992572-G-C.
Other names: c.11498C>G, p.Thr3833Ser (NM_000445.5); c.11375C>G, p.Thr3792Ser (NM_201378.4); c.11351C>G, p.Thr3784Ser (NM_201379.3); c.11828C>G, p.Thr3943Ser (NM_201380.4); c.11321C>G, p.Thr3774Ser (NM_201381.3); c.11417C>G, p.Thr3806Ser (NM_201382.4); c.11429C>G, p.Thr3810Ser (NM_201383.3); short protein forms T3806S, T3810S, T3784S, T3943S, T3774S, T3792S, T3833S.
Identifiers: ClinVar variation 1481975 (VCV001481975.6), dbSNP rs1554675150, ClinGen allele CA372490846.

ClinVar aggregate classification (germline): Uncertain significance (1 of 4 stars; one submission).

Conditions:
Autosomal recessive limb-girdle muscular dystrophy type 2Q (LGMDR17). Also called: MUSCULAR DYSTROPHY, LIMB-GIRDLE, AUTOSOMAL RECESSIVE 17. Identifiers: Orphanet 254361, MedGen C3150989, MONDO:0013390, OMIM 613723.
Epidermolysis bullosa simplex 5B, with muscular dystrophy (EBS5B). Also called: EPIDERMOLYSIS BULLOSA SIMPLEX AND LIMB-GIRDLE MUSCULAR DYSTROPHY; Epidermolysis bullosa simplex with muscular dystrophy. Identifiers: Orphanet 257, MedGen C2931072, MONDO:0009181, OMIM 226670.
Epidermolysis bullosa simplex, Ogna type (EBS5A). Also called: Pidermolysis bullosa simplex 5A, Ogna type; EPIDERMOLYSIS BULLOSA SIMPLEX 5A, OGNA TYPE. Identifiers: Orphanet 79401, MedGen C0432317, MONDO:0007555, OMIM 131950.
Epidermolysis bullosa simplex with nail dystrophy (EBS5D). Identifiers: MedGen C4225309, MONDO:0014661, OMIM 616487.
Epidermolysis bullosa simplex 5C, with pyloric atresia (EBS5C). Also called: Epidermolysis bullosa simplex with pyloric atresia; PLEC1-Related Epidermolysis Bullosa with Pyloric Atresia; PLEC-Related Epidermolysis Bullosa with Pyloric Atresia. Identifiers: Orphanet 158684, MedGen C2677349, MONDO:0012807, OMIM 612138.

Allele frequency attached by ClinVar (database versions not stated): TOPMed below 0.00001; gnomAD exomes 0.00001.
gnomAD v4.1: 7 of 1,569,348 alleles (0.00045%); highest among the groups gnomAD compares: Middle Eastern, 0.033%; no homozygotes.

Submission:

Labcorp Genetics (formerly Invitae), Labcorp
Classification: Uncertain significance for Autosomal recessive limb-girdle muscular dystrophy type 2Q; Epidermolysis bullosa simplex, Ogna type; Epidermolysis bullosa simplex with nail dystrophy; Epidermolysis bullosa simplex 5C, with pyloric atresia; Epidermolysis bullosa simplex 5B, with muscular dystrophy. Last evaluated: 2024-05-12. Review status: criteria provided, single submitter. Criteria: Invitae Variant Classification Sherloc (09022015). Collection method: clinical testing. Allele origin: germline.
Comment: This sequence change replaces threonine, which is neutral and polar, with serine, which is neutral and polar, at codon 3833 of the PLEC protein (p.Thr3833Ser). This variant is present in population databases (no rsID available, gnomAD no frequency). This variant has not been reported in the literature in individuals affected with PLEC-related conditions. ClinVar contains an entry for this variant (Variation ID: 1481975). An algorithm developed to predict the effect of missense changes on protein structure and function (PolyPhen-2) suggests that this variant is likely to be disruptive. In summary, the available evidence is currently insufficient to determine the role of this variant in disease. Therefore, it has been classified as a Variant of Uncertain Significance.